The following is an entry in ClinVar:

NM_001283009.2(RTEL1):c.3076A>T (p.Arg1026Trp)

Genes: RTEL1 (regulator of telomere elongation helicase 1; plus strand), RTEL1-TNFRSF6B (RTEL1-TNFRSF6B readthrough (NMD candidate); plus strand). Cytogenetic location: 20q13.33.
Variant type: single nucleotide variant.
Coding change: c.3076A>T on transcript NM_001283009.2 (MANE Select); coding-DNA position 3076, A replaced by T.
Protein change: p.Arg1026Trp; replaces arginine 1026 with tryptophan.
Molecular consequence: missense variant. On other transcripts: non-coding transcript variant (1).
Genome position (GRCh38, 1-based): chr20:63,694,455, A>T. VCF-style: chr20-63694455-A-T. GRCh37 (hg19) VCF-style: chr20-62325808-A-T.
Other names: c.2407A>T, p.Arg803Trp (NM_001283010.1); c.3076A>T, p.Arg1026Trp (NM_016434.4); c.3148A>T, p.Arg1050Trp (NM_032957.5); short protein forms R1026W, R1050W, R803W.
Identifiers: ClinVar variation 4629623 (VCV004629623.1).
Genomic context (GRCh38, chr20:63,694,455, plus strand): 5'-CTGACCGTGTCCACGGCTGCAGCCCAGCAGCTGGACCCCCAAGAGCACCTGAACCAGGGC[A>T]GGCCCCACCTGTCGCCCAGGCCACCCCCAACAGGTAGCTGACTCCTGAACCGTGTGCAGC-3'
Protein context (NP_001269938.1, residues 1016-1036): LDPQEHLNQG[Arg1026Trp]PHLSPRPPPT

ClinVar aggregate classification (germline): Uncertain significance (1 of 4 stars; one submission).

Conditions:
Inborn genetic diseases. Identifiers: MedGen C0950123, MeSH D030342.

Submission:

Ambry Genetics
Classification: Uncertain significance for Inborn genetic diseases. Last evaluated: 2025-11-24. Review status: criteria provided, single submitter. Criteria: Ambry Variant Classification Scheme 2023. Collection method: clinical testing. Allele origin: germline.
Comment: The p.R1026W variant (also known as c.3076A>T), located in coding exon 30 of the RTEL1 gene, results from an A to T substitution at nucleotide position 3076. The arginine at codon 1026 is replaced by tryptophan, an amino acid with dissimilar properties. This amino acid position is conserved. In addition, this alteration is predicted to be tolerated by in silico analysis. Based on the available evidence, the clinical significance of this variant remains unclear.